The following is an entry in ClinVar:

NM_002444.3(MSN):c.1687C>T (p.Arg563Trp)

Gene: MSN (moesin; plus strand). Cytogenetic location: Xq12.
Variant type: single nucleotide variant.
Coding change: c.1687C>T on transcript NM_002444.3 (MANE Select); coding-DNA position 1687, C replaced by T.
Protein change: p.Arg563Trp; replaces arginine 563 with tryptophan.
Molecular consequence: missense variant.
Genome position (GRCh38, 1-based): chrX:65,739,846, C>T. VCF-style: chrX-65739846-C-T. GRCh37 (hg19) VCF-style: chrX-64959708-C-T.
Other names: c.1690C>T, p.Arg564Trp (NM_001440778.1); short protein forms R563W, R564W.
Identifiers: ClinVar variation 4806802 (VCV004806802.1).
Genomic context (GRCh38, chrX:65,739,846, plus strand): 5'-ATGATCCATGCTGAGAACATGCGACTGGGCCGAGACAAATACAAGACCCTGCGCCAGATC[C>T]GGCAGGGCAACACCAAGCAGCGCATTGACGAATTTGAGTCTATGTAATGGGCACCCAGCC-3'
Protein context (NP_002435.1, residues 553-573): RDKYKTLRQI[Arg563Trp]QGNTKQRIDE

ClinVar aggregate classification (germline): Uncertain significance (1 of 4 stars; one submission).

Submission:

Labcorp Genetics (formerly Invitae), Labcorp
Classification: Uncertain significance. Last evaluated: 2025-05-18. Review status: criteria provided, single submitter. Criteria: Invitae Variant Classification Sherloc (09022015). Collection method: clinical testing. Allele origin: germline.
Comment: This sequence change replaces arginine, which is basic and polar, with tryptophan, which is neutral and slightly polar, at codon 563 of the MSN protein (p.Arg563Trp). This variant is not present in population databases (gnomAD no frequency). This variant has not been reported in the literature in individuals affected with MSN-related conditions. An algorithm developed to predict the effect of missense changes on protein structure and function (PolyPhen-2) suggests that this variant is likely to be disruptive. In summary, the available evidence is currently insufficient to determine the role of this variant in disease. Therefore, it has been classified as a Variant of Uncertain Significance.